The following is an entry in ClinVar:

ClinVar aggregate classification (germline): Uncertain significance (0 of 4 stars; one submission).

Conditions:
Factor V deficiency. Also called: Reduced coagulation factor V activity. Identifiers: Orphanet 326, MedGen C4317320, MONDO:0020586, HP:0003225.

gnomAD v4.1: 1 of 1,613,708 alleles (0.000062%); no homozygotes.

Submission:

ISTH-SSC Genomics in Thrombosis and Hemostasis, KU Leuven, Center for Molecular and Vascular Biology
Classification: Uncertain significance for Congenital factor V deficiency. Review status: no assertion criteria provided. Collection method: research. Allele origin: unknown. Affected: yes.
Comment: Submitted to GoldVariant by Dr Karyn Mégy from NIHR Bioresource - Cambridge University, UK

NM_000130.5(F5):c.1321C>G (p.Arg441Gly)

Gene: F5 (coagulation factor V; minus strand). Cytogenetic location: 1q24.2.
Variant type: single nucleotide variant.
Coding change: c.1321C>G on transcript NM_000130.5 (MANE Select); coding-DNA position 1321, C replaced by G.
Protein change: p.Arg441Gly; replaces arginine 441 with glycine.
Molecular consequence: missense variant.
Genome position (GRCh38, 1-based): chr1:169,550,715, G>C on the plus strand (C>G on the coding strand, the complement: F5 is on the minus strand). VCF-style: chr1-169550715-G-C. GRCh37 (hg19) VCF-style: chr1-169519953-G-C.
Other names: short protein forms R441G.
Identifiers: ClinVar variation 1684395 (VCV001684395.1), dbSNP rs747006175, ClinGen allele CA343126498.